The following is an entry in ClinVar:

NM_002016.2(FLG):c.11778G>A (p.Lys3926=)

Genes: CCDST (cervical cancer associated DHX9 suppressive transcript; plus strand), FLG (filaggrin; minus strand). Cytogenetic location: 1q21.3.
Variant type: single nucleotide variant.
Coding change: c.11778G>A on transcript NM_002016.2 (MANE Select); coding-DNA position 11778, G replaced by A.
Protein change: p.Lys3926=; no amino-acid change (lysine 3926 retained).
Molecular consequence: synonymous variant.
Genome position (GRCh38, 1-based): chr1:152,303,108, C>T on the plus strand (G>A on the coding strand, the complement: FLG is on the minus strand). VCF-style: chr1-152303108-C-T. GRCh37 (hg19) VCF-style: chr1-152275584-C-T.
Identifiers: ClinVar variation 4874683 (VCV004874683.2).

ClinVar aggregate classification (germline): Likely benign (1 of 4 stars; one submission).

Submission:

CeGaT Center for Human Genetics Tuebingen
Classification: Likely benign. Last evaluated: 2026-04-01. Review status: criteria provided, single submitter. Criteria: CeGaT Center For Human Genetics Tuebingen Variant Classification Criteria Version 2. Collection method: clinical testing. Allele origin: germline. Affected: yes. Observed: 1 variant allele.
Comment: FLG: PM2:Supporting, BP4, BP7